The following is an entry in ClinVar:

NM_023067.4(FOXL2):c.214G>T (p.Glu72Ter)

Gene: FOXL2 (forkhead box L2; minus strand). Cytogenetic location: 3q22.3.
Variant type: single nucleotide variant.
Coding change: c.214G>T on transcript NM_023067.4 (MANE Select); coding-DNA position 214, G replaced by T.
Protein change: p.Glu72Ter; replaces glutamic acid 72 with a stop codon.
Molecular consequence: nonsense.
Genome position (GRCh38, 1-based): chr3:138,946,509, C>A on the plus strand (G>T on the coding strand, the complement: FOXL2 is on the minus strand). VCF-style: chr3-138946509-C-A. GRCh37 (hg19) VCF-style: chr3-138665351-C-A.
Other names: short protein forms E72*.
Identifiers: ClinVar variation 1705634 (VCV001705634.1), dbSNP rs2473815062, ClinGen allele CA354707293.

ClinVar aggregate classification (germline): Likely pathogenic (1 of 4 stars; one submission).

Conditions:
Blepharophimosis, ptosis, and epicanthus inversus syndrome. Identifiers: Orphanet 126, MedGen C0220663, MONDO:0007201, OMIM 110100.

Submission:

3billion
Classification: Likely pathogenic for Blepharophimosis, ptosis, and epicanthus inversus syndrome. Last evaluated: 2022-09-01. Review status: criteria provided, single submitter. Criteria: ACMG Guidelines, 2015. Collection method: clinical testing. Allele origin: germline. Affected: yes. Observed: 1 heterozygote.
Comment: The variant is not observed in the gnomAD v2.1.1 dataset. Stop-gained (nonsense) is predicted to result in a loss or disruption of normal protein function through protein truncation. Multiple pathogenic variants are reported in the predicted truncated region. Therefore, this variant is classified as Likely pathogenic according to the recommendation of ACMG/AMP guideline.